The following is an entry in ClinVar:

ClinVar aggregate classification (germline): Benign. Review status: reviewed by expert panel (3 of 4 stars). 3 submissions from 2 submitters: Benign (1). 2 of the submissions do not count toward it. Last evaluated 2015-01-12.

Conditions:
Breast-ovarian cancer, familial, susceptibility to, 2 (BROVCA2). Also called: BRCA2 Hereditary Breast and Ovarian Cancer. Identifiers: Orphanet 145, MedGen C2675520, MONDO:0012933, OMIM 612555. Disease mechanism: loss of function.
Fanconi anemia complementation group D1. Also called: BRCA2-Related Fanconi Anemia. Identifiers: Orphanet 319462, MedGen C1838457, MONDO:0011584, OMIM 605724.

Allele frequency attached by ClinVar (database versions not stated): gnomAD exomes 0.00007; gnomAD 0.00024 and 0.00015; 1000 Genomes Project 0.00120; 1000 Genomes Project 30x 0.00141; TOPMed 0.00020.
gnomAD v4.1: 42 of 239,298 alleles (0.018%); highest among the groups gnomAD compares: East Asian, 0.27%; no homozygotes.

Submissions (3):

Evidence-based Network for the Interpretation of Germline Mutant Alleles (ENIGMA)
Classification: Benign for Breast-ovarian cancer, familial 2. Last evaluated: 2015-01-12. Review status: reviewed by expert panel. Criteria: ENIGMA BRCA1/2 Classification Criteria (2015). Collection method: curation. Allele origin: germline.
Comment: Class 1 not pathogenic based on frequency >1% in an outbred sampleset. Frequency 0.01049 (Asian), derived from 1000 genomes (2012-04-30).

Illumina Laboratory Services, Illumina
Classification: Likely benign for Breast-ovarian cancer, familial, susceptibility to, 2. Last evaluated: 2018-01-13. Review status: criteria provided, single submitter. Criteria: ICSL Variant Classification Criteria 13 December 2019. Collection method: clinical testing. Allele origin: germline. Not counted in ClinVar's aggregate classification.
Comment: This variant was observed in the ICSL laboratory as part of a predisposition screen in an ostensibly healthy population. It had not been previously curated by ICSL or reported in the Human Gene Mutation Database (HGMD: prior to June 1st, 2018), and was therefore a candidate for classification through an automated scoring system. Utilizing variant allele frequency, disease prevalence and penetrance estimates, and inheritance mode, an automated score was calculated to assess if this variant is too frequent to cause the disease. Based on the score and internal cut-off values, a variant classified as likely benign is not then subjected to further curation. The score for this variant resulted in a classification of likely benign for this disease.

Illumina Laboratory Services, Illumina
Classification: Uncertain significance for Fanconi anemia complementation group D1. Last evaluated: 2018-01-13. Review status: criteria provided, single submitter. Criteria: ICSL Variant Classification Criteria 13 December 2019. Collection method: clinical testing. Allele origin: germline. Not counted in ClinVar's aggregate classification.

NM_000059.4(BRCA2):c.*390A>G

Gene: BRCA2 (BRCA2 DNA repair associated; plus strand). Cytogenetic location: 13q13.1.
Variant type: single nucleotide variant.
Coding change: c.*390A>G on transcript NM_000059.4 (MANE Select); 390 bases downstream of the stop codon, A replaced by G.
Molecular consequence: 3 prime UTR variant.
Genome position (GRCh38, 1-based): chr13:32,399,160, A>G. VCF-style: chr13-32399160-A-G. GRCh37 (hg19) VCF-style: chr13-32973297-A-G.
Other names: 10875 A>G.
Identifiers: ClinVar variation 209926 (VCV000209926.5), dbSNP rs56003538, ClinGen allele CA276893.